The following is an entry in ClinVar:

NM_000501.4(ELN):c.2066C>T (p.Ala689Val)

Gene: ELN (elastin; plus strand). Cytogenetic location: 7q11.23.
Variant type: single nucleotide variant.
Coding change: c.2066C>T on transcript NM_000501.4 (MANE Select); coding-DNA position 2066, C replaced by T.
Protein change: p.Ala689Val; replaces alanine 689 with valine.
Molecular consequence: missense variant. On other transcripts: intron variant (6).
Genome position (GRCh38, 1-based): chr7:74,065,977, C>T. VCF-style: chr7-74065977-C-T. GRCh37 (hg19) VCF-style: chr7-73480307-C-T.
Other names: c.2009C>T, p.Ala670Val (NM_001081755.3); c.1823C>T, p.Ala608Val (NM_001278913.2); c.1994C>T, p.Ala665Val (NM_001278914.2); c.2084C>T, p.Ala695Val (NM_001278915.2); c.2036C>T, p.Ala679Val (NM_001278917.2); c.2252C>T, p.Ala751Val (NM_001278939.2); c.2047+245C>T (NM_001081754.3); c.1990+245C>T (NM_001081753.3); and 4 more; short protein forms A608V, A670V, A679V, A695V, A751V, A665V, A689V.
Identifiers: ClinVar variation 3703244 (VCV003703244.2).

ClinVar aggregate classification (germline): Uncertain significance (1 of 4 stars; one submission).

Conditions:
Supravalvar aortic stenosis (SVAS). Also called: Supravalvar aortic stenosis, Eisenberg type. Identifiers: Orphanet 3193, MedGen C0003499, MONDO:0008504, OMIM 185500, HP:0004381.

gnomAD v4.1: 10 of 1,614,064 alleles (0.00062%); highest among the groups gnomAD compares: Non-Finnish European, 0.00076%; no homozygotes.

Submission:

Labcorp Genetics (formerly Invitae), Labcorp
Classification: Uncertain significance for Supravalvar aortic stenosis. Last evaluated: 2025-11-10. Review status: criteria provided, single submitter. Criteria: Invitae Variant Classification Sherloc (09022015). Collection method: clinical testing. Allele origin: germline.
Comment: This sequence change replaces alanine, which is neutral and non-polar, with valine, which is neutral and non-polar, at codon 751 of the ELN protein (p.Ala751Val). This variant is present in population databases (rs375039163, gnomAD 0.003%). This variant has not been reported in the literature in individuals affected with ELN-related conditions. ClinVar contains an entry for this variant (Variation ID: 3703244). Invitae Evidence Modeling of protein sequence and biophysical properties (such as structural, functional, and spatial information, amino acid conservation, physicochemical variation, residue mobility, and thermodynamic stability) indicates that this missense variant is not expected to disrupt ELN protein function with a negative predictive value of 80%. In summary, the available evidence is currently insufficient to determine the role of this variant in disease. Therefore, it has been classified as a Variant of Uncertain Significance.